The following is an entry in ClinVar:

NM_001195263.2(PDZD7):c.226+5G>A

Gene: PDZD7 (PDZ domain containing 7; minus strand). Cytogenetic location: 10q24.31.
Variant type: single nucleotide variant.
Coding change: c.226+5G>A on transcript NM_001195263.2 (MANE Select); 5 bases into the intron after coding-DNA position 226, G replaced by A.
Molecular consequence: intron variant.
Genome position (GRCh38, 1-based): chr10:101,029,989, C>T on the plus strand (G>A on the coding strand, the complement: PDZD7 is on the minus strand). VCF-style: chr10-101029989-C-T. GRCh37 (hg19) VCF-style: chr10-102789746-C-T.
Other names: c.226+5G>A (NM_024895.5, NM_001351044.2).
Identifiers: ClinVar variation 1371176 (VCV001371176.5), dbSNP rs1006318051, ClinGen allele CA212992020.
Genomic context (GRCh38, chr10:101,029,989, plus strand): 5'-GAGTTCCCATTGTCCCCTACCCCCACCCTCCCCAACCCAGGCCAGTGGCTGGGTCCCGCC[C>T]CTACCTTCGATGGGGGAGTTGATGAGGATGACGCGTCCCATGGGCGATGAGGCTCGGATT-3'

ClinVar aggregate classification (germline): Uncertain significance (1 of 4 stars; one submission).

Allele frequency attached by ClinVar (database versions not stated): gnomAD exomes below 0.00001; gnomAD 0.00001; TOPMed 0.00002.

Submission:

Labcorp Genetics (formerly Invitae), Labcorp
Classification: Uncertain significance. Last evaluated: 2022-07-05. Review status: criteria provided, single submitter. Criteria: Invitae Variant Classification Sherloc (09022015). Collection method: clinical testing. Allele origin: germline.
Comment: ClinVar contains an entry for this variant (Variation ID: 1371176). This sequence change falls in intron 2 of the PDZD7 gene. It does not directly change the encoded amino acid sequence of the PDZD7 protein. It affects a nucleotide within the consensus splice site. This variant is not present in population databases (gnomAD no frequency). This variant has not been reported in the literature in individuals affected with PDZD7-related conditions. Variants that disrupt the consensus splice site are a relatively common cause of aberrant splicing (PMID: 17576681, 9536098). Algorithms developed to predict the effect of sequence changes on RNA splicing suggest that this variant is not likely to affect RNA splicing. In summary, the available evidence is currently insufficient to determine the role of this variant in disease. Therefore, it has been classified as a Variant of Uncertain Significance.

Literature cited by the submitters: PubMed 17576681; PubMed 9536098.